The following is an entry in ClinVar:

ClinVar aggregate classification (germline): Likely benign. Review status: criteria provided, multiple submitters, no conflicts (2 of 4 stars). 3 submissions from 3 submitters: Likely benign (2). 1 of the submissions does not count toward it. Last evaluated 2025-10-03.

Conditions:
AHR-related disorder. Also called: AHR-related condition.

Allele frequency attached by ClinVar (database versions not stated): 1000 Genomes Project 30x 0.00016; 1000 Genomes Project 0.00020; ESP Exome Variant Server 0.00054; gnomAD exomes 0.00002 and 0.00005; gnomAD 0.00011; ExAC 0.00014; TOPMed 0.00014.
gnomAD v4.1: 45 of 1,609,134 alleles (0.0028%); highest among the groups gnomAD compares: African/African-American, 0.04%; no homozygotes.

Submissions (3):

Labcorp Genetics (formerly Invitae), Labcorp
Classification: Likely benign. Last evaluated: 2025-10-03. Review status: criteria provided, single submitter. Criteria: Invitae Variant Classification Sherloc (09022015). Collection method: clinical testing. Allele origin: germline.

Breakthrough Genomics
Classification: Likely benign. Review status: criteria provided, single submitter. Criteria: ACMG Guidelines, 2015. Collection method: not provided. Allele origin: germline. Inheritance: Autosomal recessive inheritance. Affected: yes.

PreventionGenetics, part of Exact Sciences
Classification: Likely benign for AHR-related condition. Last evaluated: 2019-08-21. Review status: no assertion criteria provided. Collection method: clinical testing. Allele origin: germline. Not counted in ClinVar's aggregate classification.
Comment: This variant is classified as likely benign based on ACMG/AMP sequence variant interpretation guidelines (Richards et al. 2015 PMID: 25741868, with internal and published modifications).

NM_001621.5(AHR):c.1077A>T (p.Arg359=)

Gene: AHR (aryl hydrocarbon receptor; plus strand). Cytogenetic location: 7p21.1.
Variant type: single nucleotide variant.
Coding change: c.1077A>T on transcript NM_001621.5 (MANE Select); coding-DNA position 1077, A replaced by T.
Protein change: p.Arg359=; no amino-acid change (arginine 359 retained).
Molecular consequence: synonymous variant.
Genome position (GRCh38, 1-based): chr7:17,335,703, A>T. VCF-style: chr7-17335703-A-T. GRCh37 (hg19) VCF-style: chr7-17375327-A-T.
Other names: c.1077A>T (NM_001621.4).
Identifiers: ClinVar variation 1548199 (VCV001548199.11), dbSNP rs140788225, ClinGen allele CA4172013.